The following is an entry in ClinVar:

NM_138959.3(VANGL1):c.*5267G>A

Gene: VANGL1 (VANGL planar cell polarity protein 1; plus strand). Cytogenetic location: 1p13.1.
Variant type: single nucleotide variant.
Coding change: c.*5267G>A on transcript NM_138959.3 (MANE Select); 5267 bases downstream of the stop codon, G replaced by A.
Molecular consequence: 3 prime UTR variant.
Genome position (GRCh38, 1-based): chr1:115,696,646, G>A. VCF-style: chr1-115696646-G-A. GRCh37 (hg19) VCF-style: chr1-116239267-G-A.
Other names: c.*5267G>A (NM_001172411.2, NM_001172412.2).
Identifiers: ClinVar variation 292085 (VCV000292085.7), dbSNP rs75064936, ClinGen allele CA10607688.

ClinVar aggregate classification (germline): Benign (1 of 4 stars; one submission).

Conditions:
Sacral defect with anterior meningocele. Identifiers: MedGen C1838568, OMIM 600145.

Allele frequency attached by ClinVar (database versions not stated): gnomAD 0.00465; TOPMed 0.00572; 1000 Genomes Project 30x 0.00375; 1000 Genomes Project 0.00379.

Submission:

Illumina Laboratory Services, Illumina
Classification: Benign for Sacral defect with anterior meningocele. Last evaluated: 2018-01-12. Review status: criteria provided, single submitter. Criteria: ICSL Variant Classification Criteria 13 December 2019. Collection method: clinical testing. Allele origin: germline.
Comment: This variant was observed in the ICSL laboratory as part of a predisposition screen in an ostensibly healthy population. It had not been previously curated by ICSL or reported in the Human Gene Mutation Database (HGMD: prior to June 1st, 2018), and was therefore a candidate for classification through an automated scoring system. Utilizing variant allele frequency, disease prevalence and penetrance estimates, and inheritance mode, an automated score was calculated to assess if this variant is too frequent to cause the disease. Based on the score and internal cut-off values, a variant classified as benign is not then subjected to further curation. The score for this variant resulted in a classification of benign for this disease.